The following is an entry in ClinVar:

NM_002181.4(IHH):c.484A>G (p.Lys162Glu)

Gene: IHH (Indian hedgehog signaling molecule; minus strand). Cytogenetic location: 2q35.
Variant type: single nucleotide variant.
Coding change: c.484A>G on transcript NM_002181.4 (MANE Select); coding-DNA position 484, A replaced by G.
Protein change: p.Lys162Glu; replaces lysine 162 with glutamic acid.
Molecular consequence: missense variant.
Genome position (GRCh38, 1-based): chr2:219,057,526, T>C on the plus strand (A>G on the coding strand, the complement: IHH is on the minus strand). VCF-style: chr2-219057526-T-C. GRCh37 (hg19) VCF-style: chr2-219922248-T-C.
Other names: short protein forms K162E.
Identifiers: ClinVar variation 834082 (VCV000834082.2), dbSNP rs1948841937, ClinGen allele CA350634547.

ClinVar aggregate classification (germline): Likely pathogenic (1 of 4 stars; one submission).

Conditions:
Brachydactyly type A1. Also called: FARABEE-TYPE BRACHYDACTYLY; SHORT STATURE WITH NONSPECIFIC SKELETAL ABNORMALITIES 2. Identifiers: Orphanet 93388, MedGen C1862151, MONDO:0007215, OMIM 112500, HP:0009371.

Submission:

Wanghongyan lab, Fudan University
Classification: Likely pathogenic for Brachydactyly type A1. Last evaluated: 2020-03-23. Review status: criteria provided, single submitter. Criteria: ACMG Guidelines, 2015. Collection method: clinical testing. Allele origin: maternal. Inheritance: Autosomal dominant inheritance. Affected: yes. Observed: 1 heterozygote.
Comment: The p.Lys162Glu in IHH hasn't been reported before. Bone shortening was confined to the middle phalanges of the second and fifth digit. Cone-shaped epiphyses were discovered in the distal phalanges of the thumb and the third digit and the middle phalanges of the second and fifth digit. This variant was absent from ExAC, 1000 Genomes data, and 592 Chinese controls. The p. p.Lys162Glu was classified as "Likely Pathogenic" using the ACMG/AMP standards(PM1+PM2+PP2+PP3+PP4).

Literature cited by the submitters: PubMed 11455389.